The following is an entry in ClinVar:

NM_005430.4(WNT1):c.409C>T (p.His137Tyr)

Gene: WNT1 (Wnt family member 1; plus strand). Cytogenetic location: 12q13.12.
Variant type: single nucleotide variant.
Coding change: c.409C>T on transcript NM_005430.4 (MANE Select); coding-DNA position 409, C replaced by T.
Protein change: p.His137Tyr; replaces histidine 137 with tyrosine.
Molecular consequence: missense variant.
Genome position (GRCh38, 1-based): chr12:48,980,474, C>T. VCF-style: chr12-48980474-C-T. GRCh37 (hg19) VCF-style: chr12-49374257-C-T.
Other names: c.409C>T (NM_005430.3); short protein forms H137Y.
Identifiers: ClinVar variation 1376790 (VCV001376790.7), dbSNP rs1168378615, ClinGen allele CA384630816.

ClinVar aggregate classification (germline): Uncertain significance. Review status: criteria provided, multiple submitters, no conflicts (2 of 4 stars). 2 submissions from 2 submitters: Uncertain significance (2). Last evaluated 2024-09-26.

Conditions:
Inborn genetic diseases. Identifiers: MedGen C0950123, MeSH D030342.

Allele frequency attached by ClinVar (database versions not stated): gnomAD exomes 0.00001 and 0.00002; gnomAD 0.00002 and 0.00004; TOPMed 0.00004.
gnomAD v4.1: 32 of 1,614,120 alleles (0.002%); highest among the groups gnomAD compares: Admixed American, 0.01%; no homozygotes.

Submissions (2):

Ambry Genetics
Classification: Uncertain significance for Inborn genetic diseases. Last evaluated: 2024-09-26. Review status: criteria provided, single submitter. Criteria: Ambry Variant Classification Scheme 2023. Collection method: clinical testing. Allele origin: germline.

Labcorp Genetics (formerly Invitae), Labcorp
Classification: Uncertain significance. Last evaluated: 2022-08-01. Review status: criteria provided, single submitter. Criteria: Invitae Variant Classification Sherloc (09022015). Collection method: clinical testing. Allele origin: germline.
Comment: This sequence change replaces histidine, which is basic and polar, with tyrosine, which is neutral and polar, at codon 137 of the WNT1 protein (p.His137Tyr). In summary, the available evidence is currently insufficient to determine the role of this variant in disease. Therefore, it has been classified as a Variant of Uncertain Significance. Algorithms developed to predict the effect of missense changes on protein structure and function are either unavailable or do not agree on the potential impact of this missense change (SIFT: "Deleterious"; PolyPhen-2: "Probably Damaging"; Align-GVGD: "Class C0"). ClinVar contains an entry for this variant (Variation ID: 1376790). This variant has not been reported in the literature in individuals affected with WNT1-related conditions. This variant is present in population databases (no rsID available, gnomAD 0.002%).